The following is an entry in ClinVar:

ClinVar aggregate classification (germline): Benign/Likely benign. Review status: criteria provided, multiple submitters, no conflicts (2 of 4 stars). 3 submissions from 3 submitters: Benign (2); Likely benign (1). Last evaluated 2024-07-01.

Allele frequency attached by ClinVar (database versions not stated): gnomAD exomes 0.00054 and 0.00112; gnomAD 0.00535 and 0.00571; TOPMed 0.00576; 1000 Genomes Project 0.00759; ExAC 0.00068; 1000 Genomes Project 30x 0.00687.
gnomAD v4.1: 1,568 of 1,534,578 alleles (0.1%); highest among the groups gnomAD compares: African/African-American, 1.9%; 11 homozygotes.

Submissions (3):

CeGaT Center for Human Genetics Tuebingen
Classification: Likely benign. Last evaluated: 2024-07-01. Review status: criteria provided, single submitter. Criteria: CeGaT Center For Human Genetics Tuebingen Variant Classification Criteria Version 2. Collection method: clinical testing. Allele origin: germline. Affected: yes. Observed: 1 variant allele.
Comment: NDUFA11: BS1

GeneDx
Classification: Benign. Last evaluated: 2015-01-12. Review status: criteria provided, single submitter. Criteria: GeneDx Variant Classification (06012015). Collection method: clinical testing. Allele origin: germline. Affected: yes.
Comment: This variant is considered likely benign or benign based on one or more of the following criteria: it is a conservative change, it occurs at a poorly conserved position in the protein, it is predicted to be benign by multiple in silico algorithms, and/or has population frequency not consistent with disease.

Breakthrough Genomics
Classification: Benign. Review status: criteria provided, single submitter. Criteria: ACMG Guidelines, 2015. Collection method: not provided. Allele origin: germline. Inheritance: Autosomal recessive inheritance. Affected: yes.

NM_175614.2(NDUFA11):c.*1532G>C

Gene: NDUFA11 (NADH:ubiquinone oxidoreductase subunit A11; minus strand). Cytogenetic location: 19p13.3.
Variant type: single nucleotide variant.
Coding change: c.*1532G>C on transcript NM_175614.2; 1532 bases downstream of the stop codon, G replaced by C.
Molecular consequence: missense variant (on NM_001193375.3).
Genome position (GRCh38, 1-based): chr19:5,893,210, C>G on the plus strand (G>C on the coding strand, the complement: NDUFA11 is on the minus strand). VCF-style: chr19-5893210-C-G. GRCh37 (hg19) VCF-style: chr19-5893221-C-G.
Other names: p.A132P:GCT>CCT; c.394G>C, p.Ala132Pro (NM_001193375.3); short protein forms A132P.
Identifiers: ClinVar variation 214688 (VCV000214688.21), dbSNP rs192066309, ClinGen allele CA325437.